The following is an entry in ClinVar:

NM_001164277.2(SLC37A4):c.925del (p.Ala309fs)

Gene: SLC37A4 (solute carrier family 37 member 4; minus strand). Cytogenetic location: 11q23.3.
Variant type: Deletion.
Coding change: c.925del on transcript NM_001164277.2 (MANE Select); coding-DNA position 925, one base deleted (G; older notation c.925delG).
Protein change: p.Ala309fs; shifts the reading frame from alanine 309.
Molecular consequence: frameshift variant.
Genome position (GRCh38, 1-based): chr11:119,026,026, C deleted on the plus strand (G on the coding strand, the reverse complement: SLC37A4 is on the minus strand); the first of 2 consecutive C bases (chr11:119,026,026-119,026,027); deleting either gives the same sequence. VCF-style (leftmost placement, unchanged base first): chr11-119026025-GC-G. GRCh37 (hg19) VCF-style: chr11-118896735-GC-G.
Other names: c.925del, p.Ala309fs (NM_001164278.2, NM_001164280.2, NM_001467.6); c.706del, p.Ala236fs (NM_001164279.2); short protein forms A236fs, A309fs.
Identifiers: ClinVar variation 1076502 (VCV001076502.11), dbSNP rs2134631619, ClinGen allele CA2499220794.

ClinVar aggregate classification (germline): Pathogenic. Review status: criteria provided, multiple submitters, no conflicts (2 of 4 stars). 3 submissions from 3 submitters: Pathogenic (3). Last evaluated 2023-05-30.

Conditions:
Glucose-6-phosphate transport defect (GSD1B). Also called: GSD Ib; Glycogen Storage Disease Type Ib. Identifiers: Orphanet 364, Orphanet 79259, MedGen C0268146, MONDO:0009288, OMIM 232220.

Submissions (3):

Labcorp Genetics (formerly Invitae), Labcorp
Classification: Pathogenic for Glucose-6-phosphate transport defect. Last evaluated: 2023-05-30. Review status: criteria provided, single submitter. Criteria: Invitae Variant Classification Sherloc (09022015). Collection method: clinical testing. Allele origin: germline.
Comment: This variant is not present in population databases (gnomAD no frequency). For these reasons, this variant has been classified as Pathogenic. ClinVar contains an entry for this variant (Variation ID: 1076502). This variant is also known as 1094delG. This premature translational stop signal has been observed in individual(s) with glycogen storage disease (PMID: 9781688). In at least one individual the data is consistent with being in trans (on the opposite chromosome) from a pathogenic variant. This sequence change creates a premature translational stop signal (p.Ala309Leufs*3) in the SLC37A4 gene. It is expected to result in an absent or disrupted protein product. Loss-of-function variants in SLC37A4 are known to be pathogenic (PMID: 9758626, 10940311).

Baylor Genetics
Classification: Pathogenic for Glucose-6-phosphate transport defect. Last evaluated: 2023-03-09. Review status: criteria provided, single submitter. Criteria: ACMG Guidelines, 2015. Collection method: clinical testing. Allele origin: unknown.

Women's Health and Genetics/Laboratory Corporation of America, LabCorp
Classification: Pathogenic for Glucose-6-phosphate transport defect. Last evaluated: 2021-12-23. Review status: criteria provided, single submitter. Criteria: LabCorp Variant Classification Summary - May 2015. Collection method: clinical testing. Allele origin: germline.
Comment: Variant summary: SLC37A4 c.925delG (p.Ala309LeufsX3) results in a premature termination codon, predicted to cause a truncation of the encoded protein or absence of the protein due to nonsense mediated decay, which are commonly known mechanisms for disease. Truncations downstream of this position have been classified as pathogenic by our laboratory. The variant was absent in 239730 control chromosomes. c.925delG has been reported in the literature in individuals affected with Glycogen Storage Disease Type Ib (Marcolongo_1998). To our knowledge, no experimental evidence demonstrating an impact on protein function has been reported. One clinical diagnostic laboratory has submitted clinical-significance assessments for this variant to ClinVar after 2014 and classified the variant as pathogenic. Based on the evidence outlined above, the variant was classified as pathogenic.

Literature cited by the submitters: PubMed 9781688 (cited by Labcorp Genetics (formerly Invitae), Labcorp and Women's Health and Genetics/Laboratory Corporation of America, LabCorp); PubMed 9758626 (cited by Labcorp Genetics (formerly Invitae), Labcorp); PubMed 10940311 (cited by Labcorp Genetics (formerly Invitae), Labcorp).